The following is an entry in ClinVar:

ClinVar aggregate classification (germline): Benign/Likely benign. Review status: criteria provided, multiple submitters, no conflicts (2 of 4 stars). 5 submissions from 5 submitters: Benign (1); Likely benign (2). 2 of the submissions do not count toward it. Last evaluated 2025-12-11.

Conditions:
X-linked lymphoproliferative disease due to XIAP deficiency. Also called: XIAP-Related Lymphoproliferative Disease, X-Linked; XIAP DEFICIENCY. Identifiers: Orphanet 2442, Orphanet 538934, MedGen C1845076, MONDO:0010385, OMIM 300635.

Allele frequency attached by ClinVar (database versions not stated): TOPMed 0.00006; ESP Exome Variant Server 0.00009.
gnomAD v4.1: 171 of 1,204,473 alleles (0.014%); highest among the groups gnomAD compares: Middle Eastern, 0.29%; 1 homozygote.

Submissions (5):

Labcorp Genetics (formerly Invitae), Labcorp
Classification: Benign for X-linked lymphoproliferative disease due to XIAP deficiency. Last evaluated: 2025-12-11. Review status: criteria provided, single submitter. Criteria: Invitae Variant Classification Sherloc (09022015). Collection method: clinical testing. Allele origin: germline.

Blueprint Genetics
Classification: Likely benign. Last evaluated: 2024-07-05. Review status: criteria provided, single submitter. Criteria: ACMG Guidelines, 2015. Collection method: clinical testing. Allele origin: germline.

CeGaT Center for Human Genetics Tuebingen
Classification: Likely benign. Last evaluated: 2023-01-01. Review status: criteria provided, single submitter. Criteria: CeGaT Center For Human Genetics Tuebingen Variant Classification Criteria Version 2. Collection method: clinical testing. Allele origin: germline. Affected: yes. Observed: 1 variant allele.
Comment: XIAP: BP4, BS2

Clinical Genetics DNA and cytogenetics Diagnostics Lab, Erasmus MC, Erasmus Medical Center
Classification: Likely benign. Review status: no assertion criteria provided. Collection method: clinical testing. Allele origin: germline. Affected: yes. Study: VKGL Data-share Consensus. Not counted in ClinVar's aggregate classification.

Diagnostic Laboratory, Department of Genetics, University Medical Center Groningen
Classification: Likely benign. Review status: no assertion criteria provided. Collection method: clinical testing. Allele origin: germline. Affected: yes. Study: VKGL Data-share Consensus. Not counted in ClinVar's aggregate classification.

NM_001167.4(XIAP):c.878-5C>T

Gene: XIAP (X-linked inhibitor of apoptosis; plus strand). Cytogenetic location: Xq25.
Variant type: single nucleotide variant.
Coding change: c.878-5C>T on transcript NM_001167.4 (MANE Select); 5 bases into the intron before coding-DNA position 878, C replaced by T.
Molecular consequence: intron variant.
Genome position (GRCh38, 1-based): chrX:123,888,614, C>T. VCF-style: chrX-123888614-C-T. GRCh37 (hg19) VCF-style: chrX-123022464-C-T.
Other names: c.878-5C>T (NM_001378592.1, NM_001378591.1, NM_001204401.2 and 1 more transcripts).
Identifiers: ClinVar variation 465074 (VCV000465074.39), dbSNP rs367801081, ClinGen allele CA10508068.